The following is an entry in ClinVar:

NM_020461.4(TUBGCP6):c.2924G>A (p.Cys975Tyr)

Gene: TUBGCP6 (tubulin gamma complex component 6; minus strand). Cytogenetic location: 22q13.33.
Variant type: single nucleotide variant.
Coding change: c.2924G>A on transcript NM_020461.4 (MANE Select); coding-DNA position 2924, G replaced by A.
Protein change: p.Cys975Tyr; replaces cysteine 975 with tyrosine.
Molecular consequence: missense variant.
Genome position (GRCh38, 1-based): chr22:50,221,435, C>T on the plus strand (G>A on the coding strand, the complement: TUBGCP6 is on the minus strand). VCF-style: chr22-50221435-C-T. GRCh37 (hg19) VCF-style: chr22-50659864-C-T.
Other names: short protein forms C975Y.
Identifiers: ClinVar variation 957457 (VCV000957457.5), dbSNP rs1414205066, ClinGen allele CA412185978.

ClinVar aggregate classification (germline): Uncertain significance. Review status: criteria provided, multiple submitters, no conflicts (2 of 4 stars). 2 submissions from 2 submitters: Uncertain significance (2). Last evaluated 2023-10-13.

Conditions:
Inborn genetic diseases. Identifiers: MedGen C0950123, MeSH D030342.

Allele frequency attached by ClinVar (database versions not stated): gnomAD 0.00001; gnomAD exomes 0.00001 and 0.00002; TOPMed 0.00002.
gnomAD v4.1: 9 of 1,599,206 alleles (0.00056%); highest among the groups gnomAD compares: Admixed American, 0.012%; no homozygotes.

Submissions (2):

Ambry Genetics
Classification: Uncertain significance for Inborn genetic diseases. Last evaluated: 2023-10-13. Review status: criteria provided, single submitter. Criteria: Ambry Variant Classification Scheme 2023. Collection method: clinical testing. Allele origin: germline.

Labcorp Genetics (formerly Invitae), Labcorp
Classification: Uncertain significance. Last evaluated: 2022-10-24. Review status: criteria provided, single submitter. Criteria: Invitae Variant Classification Sherloc (09022015). Collection method: clinical testing. Allele origin: germline.
Comment: This sequence change replaces cysteine, which is neutral and slightly polar, with tyrosine, which is neutral and polar, at codon 975 of the TUBGCP6 protein (p.Cys975Tyr). This variant is present in population databases (no rsID available, gnomAD 0.02%). This variant has not been reported in the literature in individuals affected with TUBGCP6-related conditions. ClinVar contains an entry for this variant (Variation ID: 957457). Algorithms developed to predict the effect of missense changes on protein structure and function are either unavailable or do not agree on the potential impact of this missense change (SIFT: "Deleterious"; PolyPhen-2: "Benign"; Align-GVGD: "Class C0"). In summary, the available evidence is currently insufficient to determine the role of this variant in disease. Therefore, it has been classified as a Variant of Uncertain Significance.